The following is an entry in ClinVar:

ClinVar aggregate classification (germline): Benign (1 of 4 stars; one submission).

Conditions:
Occult macular dystrophy (OCMD). Also called: OMD; OCCULT MACULAR DYSTROPHY, SUSCEPTIBILITY TO. Identifiers: Orphanet 247834, MedGen C3150833, MONDO:0013316, OMIM 613587, HP:0030636.

Allele frequency attached by ClinVar (database versions not stated): gnomAD exomes 0.00029; 1000 Genomes Project 0.00240; 1000 Genomes Project 30x 0.00312; gnomAD 0.00353 and 0.00377; TOPMed 0.00415.
gnomAD v4.1: 538 of 170,632 alleles (0.32%); highest among the groups gnomAD compares: African/African-American, 1.2%; 2 homozygotes.

Submission:

Illumina Laboratory Services, Illumina
Classification: Benign for Occult macular dystrophy. Last evaluated: 2018-01-13. Review status: criteria provided, single submitter. Criteria: ICSL Variant Classification Criteria 13 December 2019. Collection method: clinical testing. Allele origin: germline.
Comment: This variant was observed in the ICSL laboratory as part of a predisposition screen in an ostensibly healthy population. It had not been previously curated by ICSL or reported in the Human Gene Mutation Database (HGMD: prior to June 1st, 2018), and was therefore a candidate for classification through an automated scoring system. Utilizing variant allele frequency, disease prevalence and penetrance estimates, and inheritance mode, an automated score was calculated to assess if this variant is too frequent to cause the disease. Based on the score and internal cut-off values, a variant classified as benign is not then subjected to further curation. The score for this variant resulted in a classification of benign for this disease.

NM_178857.6(RP1L1):c.*444T>A

Gene: RP1L1 (RP1 like 1). Cytogenetic location: 8p23.1.
Variant type: single nucleotide variant.
Coding change: c.*444T>A on transcript NM_178857.6 (MANE Select); 444 bases downstream of the stop codon, T replaced by A.
Molecular consequence: 3 prime UTR variant.
Genome position (GRCh38, 1-based): chr8:10,606,451, A>T on the plus strand (T>A on the coding strand, the complement: RP1L1 is on the minus strand). VCF-style: chr8-10606451-A-T. GRCh37 (hg19) VCF-style: chr8-10463961-A-T.
Identifiers: ClinVar variation 361188 (VCV000361188.5), dbSNP rs530449457, ClinGen allele CA10629730.